The following is an entry in ClinVar:

ClinVar aggregate classification (germline): Likely benign. Review status: criteria provided, multiple submitters, no conflicts (2 of 4 stars). 2 submissions from 2 submitters: Likely benign (2). Last evaluated 2025-12-31.

Conditions:
Glycogen storage disease IXb (GSD9B). Also called: PHOSPHORYLASE KINASE DEFICIENCY OF LIVER AND MUSCLE, AUTOSOMAL RECESSIVE; GLYCOGENOSIS OF LIVER AND MUSCLE, AUTOSOMAL RECESSIVE; GSD IXb. Identifiers: Orphanet 79240, MedGen C0543514, MONDO:0009868, OMIM 261750.

Allele frequency attached by ClinVar (database versions not stated): ExAC 0.00002; gnomAD 0.00002; gnomAD exomes 0.00004 and 0.00007; TOPMed 0.00004; ESP Exome Variant Server 0.00008.
gnomAD v4.1: 105 of 1,613,996 alleles (0.0065%); highest among the groups gnomAD compares: Non-Finnish European, 0.0083%; no homozygotes.

Submissions (2):

Labcorp Genetics (formerly Invitae), Labcorp
Classification: Likely benign for Glycogen storage disease IXb. Last evaluated: 2025-12-31. Review status: criteria provided, single submitter. Criteria: Invitae Variant Classification Sherloc (09022015). Collection method: clinical testing. Allele origin: germline.

GeneDx
Classification: Likely benign. Last evaluated: 2016-05-19. Review status: criteria provided, single submitter. Criteria: GeneDx Variant Classification (06012015). Collection method: clinical testing. Allele origin: germline. Affected: yes.
Comment: This variant is considered likely benign or benign based on one or more of the following criteria: it is a conservative change, it occurs at a poorly conserved position in the protein, it is predicted to be benign by multiple in silico algorithms, and/or has population frequency not consistent with disease.

NM_000293.3(PHKB):c.282C>T (p.Ala94=)

Genes: PHKB (phosphorylase kinase regulatory subunit beta; plus strand), LOC112449713 (Sharpr-MPRA regulatory region 10524; plus strand). Cytogenetic location: 16q12.1.
Variant type: single nucleotide variant.
Coding change: c.282C>T on transcript NM_000293.3 (MANE Select); coding-DNA position 282, C replaced by T.
Protein change: p.Ala94=; no amino-acid change (alanine 94 retained).
Molecular consequence: synonymous variant.
Genome position (GRCh38, 1-based): chr16:47,499,871, C>T. VCF-style: chr16-47499871-C-T. GRCh37 (hg19) VCF-style: chr16-47533782-C-T.
Other names: c.261C>T, p.Ala87= (NM_001031835.3); c.282C>T, p.Ala94= (NM_001363837.1).
Identifiers: ClinVar variation 386059 (VCV000386059.4), dbSNP rs372209609, ClinGen allele CA8040416.